The following is an entry in ClinVar:

ClinVar aggregate classification (germline): Uncertain significance (1 of 4 stars; one submission).

Conditions:
RASopathy. Also called: Noonan spectrum disorder; rasopathies. Identifiers: Orphanet 536391, MedGen C5555857, MONDO:0021060.

Allele frequency attached by ClinVar (database versions not stated): ExAC 0.00001.

Submission:

Labcorp Genetics (formerly Invitae), Labcorp
Classification: Uncertain significance for RASopathy. Last evaluated: 2023-06-14. Review status: criteria provided, single submitter. Criteria: Invitae Variant Classification Sherloc (09022015). Collection method: clinical testing. Allele origin: germline.
Comment: This sequence change replaces threonine, which is neutral and polar, with isoleucine, which is neutral and non-polar, at codon 213 of the RAF1 protein (p.Thr213Ile). This variant is present in population databases (rs766525702, gnomAD 0.003%). This variant has not been reported in the literature in individuals affected with RAF1-related conditions. Advanced modeling of protein sequence and biophysical properties (such as structural, functional, and spatial information, amino acid conservation, physicochemical variation, residue mobility, and thermodynamic stability) performed at Invitae indicates that this missense variant is not expected to disrupt RAF1 protein function. In summary, the available evidence is currently insufficient to determine the role of this variant in disease. Therefore, it has been classified as a Variant of Uncertain Significance.

NM_002880.4(RAF1):c.638C>T (p.Thr213Ile)

Gene: RAF1 (Raf-1 proto-oncogene, serine/threonine kinase; minus strand). Cytogenetic location: 3p25.2.
Variant type: single nucleotide variant.
Coding change: c.638C>T on transcript NM_002880.4 (MANE Select); coding-DNA position 638, C replaced by T.
Protein change: p.Thr213Ile; replaces threonine 213 with isoleucine.
Molecular consequence: missense variant. On other transcripts: non-coding transcript variant (3), intron variant (2).
Genome position (GRCh38, 1-based): chr3:12,606,243, G>A on the plus strand (C>T on the coding strand, the complement: RAF1 is on the minus strand). VCF-style: chr3-12606243-G-A. GRCh37 (hg19) VCF-style: chr3-12647742-G-A.
Other names: c.638C>T, p.Thr213Ile (NM_001354689.3, NM_001354690.3); c.395C>T, p.Thr132Ile (NM_001354691.3, NM_001354692.3, NM_001354694.3); c.339-1954C>T (NM_001354695.3); c.582-1954C>T (NM_001354693.3); short protein forms T132I, T213I.
Identifiers: ClinVar variation 2713544 (VCV002713544.3), dbSNP rs766525702, ClinGen allele CA2259718.
Genomic context (GRCh38, chr3:12,606,243, plus strand): 5'-CTATAGGTAAAAAATTACCTAACAGGCATCCTGGAAACAGACTCTCGCATACGACGCATA[G>A]TCAAAGAAGGTAGTGCTGGGACTCCACTATCACCAATAGTGGAATTTGGAAACAATCTAA-3'
Protein context (NP_002871.1, residues 203-223): DSGVPALPSL[Thr213Ile]MRRMRESVSR